The following is an entry in ClinVar:

ClinVar aggregate classification (germline): Benign/Likely benign. Review status: criteria provided, multiple submitters, no conflicts (2 of 4 stars). 19 submissions from 18 submitters: Benign (12); Likely benign (2). 5 of the submissions do not count toward it. Last evaluated 2026-02-04.

Conditions:
Cardiovascular phenotype. Identifiers: MedGen CN230736.
Hypertrophic cardiomyopathy 11. Also called: ACTC1-Related Familial Hypertrophic Cardiomyopathy. Identifiers: MedGen C2677506, MONDO:0012799, OMIM 612098.
Dilated cardiomyopathy 1R (CMD1R). Identifiers: Orphanet 154, Orphanet 54260, MedGen C3150681, MONDO:0013261, OMIM 613424.
Atrial septal defect 5 (ASD5). Identifiers: Orphanet 1478, MedGen C2748552, MONDO:0013011, OMIM 612794.
Cardiomyopathy (CMYO). Also called: Cardiomyopathies. Identifiers: Orphanet 167848, MedGen C0878544, MONDO:0004994, HP:0001638. Inheritance: Various modes of inheritance.
Hypertrophic cardiomyopathy. Also called: HYPERTROPHIC MYOCARDIOPATHY. Identifiers: Orphanet 217569, MedGen C0007194, MeSH D002312, MONDO:0005045, HP:0001639.

Allele frequency attached by ClinVar (database versions not stated): gnomAD 0.02329 and 0.02473; gnomAD exomes 0.00560 and 0.00829; ExAC 0.00983; ESP Exome Variant Server 0.02593; TOPMed 0.02659; 1000 Genomes Project 0.02855; 1000 Genomes Project 30x 0.02967.
gnomAD v4.1: 11,872 of 1,613,710 alleles (0.74%); highest among the groups gnomAD compares: African/African-American, 7.4%; 245 homozygotes.

Submissions (19):

Labcorp Genetics (formerly Invitae), Labcorp
Classification: Benign for Dilated cardiomyopathy 1R; Hypertrophic cardiomyopathy 11; Atrial septal defect 5. Last evaluated: 2026-02-04. Review status: criteria provided, single submitter. Criteria: Invitae Variant Classification Sherloc (09022015). Collection method: clinical testing. Allele origin: germline.

ARUP Laboratories, Molecular Genetics and Genomics, ARUP Laboratories
Classification: Benign. Last evaluated: 2025-05-02. Review status: criteria provided, single submitter. Criteria: ARUP Molecular Germline Variant Investigation Process 2024. Collection method: clinical testing. Allele origin: germline.

Molecular Diagnostic Laboratory for Inherited Cardiovascular Disease, Montreal Heart Institute
Classification: Benign. Last evaluated: 2025-04-09. Review status: criteria provided, single submitter. Criteria: ACMG Guidelines, 2015. Collection method: clinical testing. Allele origin: germline. Affected: no.

All of Us Research Program, National Institutes of Health
Classification: Benign for Hypertrophic cardiomyopathy. Last evaluated: 2024-02-05. Review status: criteria provided, single submitter. Criteria: ACMG Guidelines, 2015. Collection method: clinical testing. Allele origin: germline. Inheritance: Autosomal dominant inheritance. Observed: 1,948 variant alleles, 1,905 heterozygotes, 43 homozygotes.
Comment: This study involves interpretation of variants in research participants for the purpose of population health screening. Participant phenotype was not available at the time of variant classification. Additional details can be found in publication PMID: 35346344, PMCID: PMC8962531

Color Diagnostics, LLC DBA Color Health
Classification: Benign for Cardiomyopathy. Last evaluated: 2018-03-16. Review status: criteria provided, single submitter. Criteria: ACMG Guidelines, 2015. Collection method: clinical testing. Allele origin: germline.

Illumina Laboratory Services, Illumina
Classification: Benign for Hypertrophic cardiomyopathy 11. Last evaluated: 2018-01-13. Review status: criteria provided, single submitter. Criteria: ICSL Variant Classification Criteria 13 December 2019. Collection method: clinical testing. Allele origin: germline.
Comment: This variant was observed in the ICSL laboratory as part of a predisposition screen in an ostensibly healthy population. It had not been previously curated by ICSL or reported in the Human Gene Mutation Database (HGMD: prior to June 1st, 2018), and was therefore a candidate for classification through an automated scoring system. Utilizing variant allele frequency, disease prevalence and penetrance estimates, and inheritance mode, an automated score was calculated to assess if this variant is too frequent to cause the disease. Based on the score and internal cut-off values, a variant classified as benign is not then subjected to further curation. The score for this variant resulted in a classification of benign for this disease.

Illumina Laboratory Services, Illumina
Classification: Likely benign for Dilated cardiomyopathy 1R. Last evaluated: 2018-01-13. Review status: criteria provided, single submitter. Criteria: ICSL Variant Classification Criteria 13 December 2019. Collection method: clinical testing. Allele origin: germline.
Comment: This variant was observed in the ICSL laboratory as part of a predisposition screen in an ostensibly healthy population. It had not been previously curated by ICSL or reported in the Human Gene Mutation Database (HGMD: prior to June 1st, 2018), and was therefore a candidate for classification through an automated scoring system. Utilizing variant allele frequency, disease prevalence and penetrance estimates, and inheritance mode, an automated score was calculated to assess if this variant is too frequent to cause the disease. Based on the score and internal cut-off values, a variant classified as likely benign is not then subjected to further curation. The score for this variant resulted in a classification of likely benign for this disease.

CHEO Genetics Diagnostic Laboratory, Children's Hospital of Eastern Ontario
Classification: Benign for Cardiomyopathy. Last evaluated: 2015-12-03. Review status: criteria provided, single submitter. Criteria: ACMG Guidelines, 2015. Collection method: clinical testing. Allele origin: germline. Study: Canadian Open Genetics Repository.

Mayo Clinic Laboratories, Mayo Clinic
Classification: Benign. Last evaluated: 2015-09-02. Review status: criteria provided, single submitter. Criteria: ACMG Guidelines, 2015. Collection method: clinical testing. Allele origin: germline. Observed: 52 variant alleles.

Ambry Genetics
Classification: Benign for Cardiovascular phenotype. Last evaluated: 2015-06-25. Review status: criteria provided, single submitter. Criteria: Ambry Variant Classification Scheme 2023. Collection method: clinical testing. Allele origin: germline.

GeneDx
Classification: Benign. Last evaluated: 2015-03-03. Review status: criteria provided, single submitter. Criteria: GeneDx Variant Classification Process June 2021. Collection method: clinical testing. Allele origin: germline. Affected: yes.

Laboratory for Molecular Medicine, Mass General Brigham Personalized Medicine
Classification: Benign. Last evaluated: 2011-06-09. Review status: criteria provided, single submitter. Criteria: LMM Criteria. Collection method: clinical testing. Allele origin: germline. Observed: 146 variant alleles.
Comment: This variant is classified as benign based on its high frequency in the general population (3%; LMM unpublished data).

Breakthrough Genomics
Classification: Likely benign. Review status: criteria provided, single submitter. Criteria: ACMG Guidelines, 2015. Collection method: not provided. Allele origin: germline. Inheritance: Autosomal dominant inheritance. Affected: yes.

PreventionGenetics, part of Exact Sciences
Classification: Benign. Review status: criteria provided, single submitter. Criteria: ACMG Guidelines, 2015. Collection method: clinical testing. Allele origin: germline.

Cohesion Phenomics
Classification: Likely benign for Hypertrophic Cardiomyopathy. Last evaluated: 2022-09-29. Review status: no assertion criteria provided. Criteria: ACMG Guidelines, 2015. Collection method: clinical testing. Allele origin: germline. Affected: yes. Not counted in ClinVar's aggregate classification.

Clinical Genetics DNA and cytogenetics Diagnostics Lab, Erasmus MC, Erasmus Medical Center
Classification: Benign. Review status: no assertion criteria provided. Collection method: clinical testing. Allele origin: germline. Affected: yes. Study: VKGL Data-share Consensus. Not counted in ClinVar's aggregate classification.

Clinical Genetics, Academic Medical Center
Classification: Benign. Review status: no assertion criteria provided. Collection method: clinical testing. Allele origin: germline. Affected: yes. Study: VKGL Data-share Consensus. Not counted in ClinVar's aggregate classification.

Genome Diagnostics Laboratory, University Medical Center Utrecht
Classification: Benign. Review status: no assertion criteria provided. Collection method: clinical testing. Allele origin: germline. Affected: yes. Study: VKGL Data-share Consensus. Not counted in ClinVar's aggregate classification.

Joint Genome Diagnostic Labs from Nijmegen and Maastricht, Radboudumc and MUMC+
Classification: Benign. Review status: no assertion criteria provided. Collection method: clinical testing. Allele origin: germline. Affected: yes. Study: VKGL Data-share Consensus. Not counted in ClinVar's aggregate classification.

NM_005159.5(ACTC1):c.927T>C (p.Pro309=)

Genes: GJD2-DT (GJD2 divergent transcript; plus strand), ACTC1 (actin alpha cardiac muscle 1; minus strand). Cytogenetic location: 15q14.
Variant type: single nucleotide variant.
Coding change: c.927T>C on transcript NM_005159.5 (MANE Select); coding-DNA position 927, T replaced by C.
Protein change: p.Pro309=; no amino-acid change (proline 309 retained).
Molecular consequence: synonymous variant.
Genome position (GRCh38, 1-based): chr15:34,791,177, A>G on the plus strand (T>C on the coding strand, the complement: ACTC1 is on the minus strand). VCF-style: chr15-34791177-A-G. GRCh37 (hg19) VCF-style: chr15-35083378-A-G.
Other names: p.Pro309=.
Identifiers: ClinVar variation 45194 (VCV000045194.47), dbSNP rs2307493, ClinGen allele CA019997.
Genomic context (GRCh38, chr15:34,791,177, plus strand): 5'-AATCTTCATGGTGCTAGGAGCCAGAGCAGTGATTTCCTTCTGCATACGATCAGCAATACC[A>G]GGGTACATAGTGGTGCCTCCAGATAAGACATTGTTGGCATACAGGTCCTTGCGGATATCA-3'
Protein context (NP_005150.1, residues 299-319): NVLSGGTTMY[Pro309=]GIADRMQKEI